The following is an entry in ClinVar:

NM_000135.4(FANCA):c.3893G>T (p.Arg1298Met)

Genes: FANCA (FA complementation group A; minus strand), ZNF276 (zinc finger protein 276; plus strand). Cytogenetic location: 16q24.3.
Variant type: single nucleotide variant.
Coding change: c.3893G>T on transcript NM_000135.4 (MANE Select); coding-DNA position 3893, G replaced by T.
Protein change: p.Arg1298Met; replaces arginine 1298 with methionine.
Molecular consequence: missense variant. On other transcripts: 3 prime UTR variant (2), non-coding transcript variant (4).
Genome position (GRCh38, 1-based): chr16:89,740,035, C>A on the plus strand (G>T on the coding strand, the complement: FANCA is on the minus strand). VCF-style: chr16-89740035-C-A. GRCh37 (hg19) VCF-style: chr16-89806443-C-A.
Other names: c.3893G>T, p.Arg1298Met (NM_001286167.3); c.*1789C>A (NM_001113525.2, NM_152287.4); short protein forms R1298M.
Identifiers: ClinVar variation 4619290 (VCV004619290.1).

ClinVar aggregate classification (germline): Uncertain significance (1 of 4 stars; one submission).

Conditions:
Inborn genetic diseases. Identifiers: MedGen C0950123, MeSH D030342.

Submission:

Ambry Genetics
Classification: Uncertain significance for Inborn genetic diseases. Last evaluated: 2025-11-25. Review status: criteria provided, single submitter. Criteria: Ambry Variant Classification Scheme 2023. Collection method: clinical testing. Allele origin: germline.
Comment: The p.R1298M variant (also known as c.3893G>T), located in coding exon 39 of the FANCA gene, results from a G to T substitution at nucleotide position 3893. The arginine at codon 1298 is replaced by methionine, an amino acid with similar properties. This amino acid position is conserved. In addition, the in silico prediction for this alteration is inconclusive. Based on the available evidence, the clinical significance of this variant remains unclear.